The following is an entry in ClinVar:

ClinVar aggregate classification (germline): Uncertain significance (1 of 4 stars; one submission).

Submission:

Labcorp Genetics (formerly Invitae), Labcorp
Classification: Uncertain significance. Last evaluated: 2025-01-13. Review status: criteria provided, single submitter. Criteria: Invitae Variant Classification Sherloc (09022015). Collection method: clinical testing. Allele origin: germline.
Comment: This sequence change replaces aspartic acid with glutamic acid at codon 126 of the SLC9A3 protein (p.Asp126Glu). The aspartic acid residue is highly conserved and there is a small physicochemical difference between aspartic acid and glutamic acid. This variant is not present in population databases (gnomAD no frequency). This variant has not been reported in the literature in individuals affected with SLC9A3-related conditions. ClinVar contains an entry for this variant (Variation ID: 1408678). Invitae Evidence Modeling of protein sequence and biophysical properties (such as structural, functional, and spatial information, amino acid conservation, physicochemical variation, residue mobility, and thermodynamic stability) indicates that this missense variant is not expected to disrupt SLC9A3 protein function with a negative predictive value of 80%. In summary, the available evidence is currently insufficient to determine the role of this variant in disease. Therefore, it has been classified as a Variant of Uncertain Significance.

NM_004174.4(SLC9A3):c.378C>A (p.Asp126Glu)

Gene: SLC9A3 (solute carrier family 9 member A3). Cytogenetic location: 5p15.33.
Variant type: single nucleotide variant.
Coding change: c.378C>A on transcript NM_004174.4 (MANE Select); coding-DNA position 378, C replaced by A.
Protein change: p.Asp126Glu; replaces aspartic acid 126 with glutamic acid.
Molecular consequence: missense variant.
Genome position (GRCh38, 1-based): chr5:491,905, G>T on the plus strand (C>A on the coding strand, the complement: SLC9A3 is on the minus strand). VCF-style: chr5-491905-G-T. GRCh37 (hg19) VCF-style: chr5-492020-G-T.
Other names: c.378C>A, p.Asp126Glu (NM_001284351.3); short protein forms D126E.
Identifiers: ClinVar variation 1408678 (VCV001408678.6), dbSNP rs768111524, ClinGen allele CA359031365.
Genomic context (GRCh38, chr5:491,905, plus strand): 5'-GTACAACAGGATGGTCCCCAGGTTGCCGAAGAAGAGGCGGTTGGGCATGAAGTAGCCGGC[G>T]TCCAGCACGATGGGGGGCAGCAGGTAGAAGAAGAAGACGGTGGGCGTCAGTGTGAAGGAC-3'
Protein context (NP_004165.2, residues 116-136): FFYLLPPIVL[Asp126Glu]AGYFMPNRLF